The following is an entry in ClinVar:

NM_000359.3(TGM1):c.1126C>T (p.Gln376Ter)

Gene: TGM1 (transglutaminase 1; minus strand). Cytogenetic location: 14q12.
Variant type: single nucleotide variant.
Coding change: c.1126C>T on transcript NM_000359.3 (MANE Select); coding-DNA position 1126, C replaced by T.
Protein change: p.Gln376Ter; replaces glutamine 376 with a stop codon.
Molecular consequence: nonsense.
Genome position (GRCh38, 1-based): chr14:24,259,108, G>A on the plus strand (C>T on the coding strand, the complement: TGM1 is on the minus strand). VCF-style: chr14-24259108-G-A. GRCh37 (hg19) VCF-style: chr14-24728314-G-A.
Other names: short protein forms Q376*.
Identifiers: ClinVar variation 2857684 (VCV002857684.3), dbSNP rs2502501603, ClinGen allele CA389263844.

ClinVar aggregate classification (germline): Pathogenic (1 of 4 stars; one submission).

Submission:

Labcorp Genetics (formerly Invitae), Labcorp
Classification: Pathogenic. Last evaluated: 2023-04-20. Review status: criteria provided, single submitter. Criteria: Invitae Variant Classification Sherloc (09022015). Collection method: clinical testing. Allele origin: germline.
Comment: For these reasons, this variant has been classified as Pathogenic. This variant has not been reported in the literature in individuals affected with TGM1-related conditions. This variant is not present in population databases (gnomAD no frequency). This sequence change creates a premature translational stop signal (p.Gln376*) in the TGM1 gene. It is expected to result in an absent or disrupted protein product. Loss-of-function variants in TGM1 are known to be pathogenic (PMID: 18948357, 19241467).

Literature cited by the submitters: PubMed 18948357; PubMed 19241467.